The following is an entry in ClinVar:

NM_001394062.1(MACF1):c.13549C>T (p.Pro4517Ser)

Gene: MACF1 (microtubule actin crosslinking factor 1; plus strand). Cytogenetic location: 1p34.3.
Variant type: single nucleotide variant.
Coding change: c.13549C>T on transcript NM_001394062.1 (MANE Select); coding-DNA position 13549, C replaced by T.
Protein change: p.Pro4517Ser; replaces proline 4517 with serine.
Molecular consequence: missense variant.
Genome position (GRCh38, 1-based): chr1:39,380,274, C>T. VCF-style: chr1-39380274-C-T. GRCh37 (hg19) VCF-style: chr1-39845946-C-T.
Other names: c.7363C>T, p.Pro2455Ser (NM_012090.5); short protein forms P2455S, P4517S.
Identifiers: ClinVar variation 1313592 (VCV001313592.2), dbSNP rs1231682227, ClinGen allele CA339831746.
Genomic context (GRCh38, chr1:39,380,274, plus strand): 5'-TCATGGCATGCATGGCATTCTTTCTCCTAGGCCTTCCTGGCTGAGTTGGAACAGAATTCT[C>T]CAAAAATTCAAAAAGTAAAGGAAGCCCTGGCTGGATTACTGGTGACATATCCCAACTCAC-3'
Protein context (NP_001380991.1, residues 4507-4527): AFLAELEQNS[Pro4517Ser]KIQKVKEALA

ClinVar aggregate classification (germline): Uncertain significance (1 of 4 stars; one submission).

Allele frequency attached by ClinVar (database versions not stated): gnomAD exomes below 0.00001.
gnomAD v4.1: 1 of 1,613,468 alleles (0.000062%); highest among the groups gnomAD compares: Non-Finnish European, 0.000085%; no homozygotes.

Submission:

GeneDx
Classification: Uncertain significance. Last evaluated: 2020-01-17. Review status: criteria provided, single submitter. Criteria: GeneDx Variant Classification Process June 2021. Collection method: clinical testing. Allele origin: germline. Affected: yes.
Comment: In silico analysis, which includes protein predictors and evolutionary conservation, supports that this variant does not alter protein structure/function; Has not been previously published as pathogenic or benign to our knowledge; Variants in candidate genes are classified as variants of uncertain significance in accordance with ACMG guidelines (Richards et al., 2015)